The following is an entry in ClinVar:

ClinVar aggregate classification (germline): Uncertain significance (1 of 4 stars; one submission).

Submission:

GeneDx
Classification: Uncertain significance. Last evaluated: 2024-04-09. Review status: criteria provided, single submitter. Criteria: GeneDx Variant Classification Process June 2021. Collection method: clinical testing. Allele origin: germline. Affected: yes.
Comment: Not observed at significant frequency in large population cohorts (gnomAD); In silico analysis supports that this missense variant has a deleterious effect on protein structure/function; Has not been previously published as pathogenic or benign to our knowledge

NM_000937.5(POLR2A):c.1762G>A (p.Gly588Ser)

Gene: POLR2A (RNA polymerase II subunit A; plus strand). Cytogenetic location: 17p13.1.
Variant type: single nucleotide variant.
Coding change: c.1762G>A on transcript NM_000937.5 (MANE Select); coding-DNA position 1762, G replaced by A.
Protein change: p.Gly588Ser; replaces glycine 588 with serine.
Molecular consequence: missense variant.
Genome position (GRCh38, 1-based): chr17:7,500,729, G>A. VCF-style: chr17-7500729-G-A. GRCh37 (hg19) VCF-style: chr17-7404048-G-A.
Other names: short protein forms G588S.
Identifiers: ClinVar variation 3372235 (VCV003372235.1).